The following is an entry in ClinVar:

ClinVar aggregate classification (germline): Benign/Likely benign. Review status: criteria provided, multiple submitters, no conflicts (2 of 4 stars). 2 submissions from 2 submitters: Benign (1); Likely benign (1). Last evaluated 2023-11-21.

Conditions:
Emery-Dreifuss muscular dystrophy 5, autosomal dominant (EDMD5). Also called: EMERY-DREIFUSS MUSCULAR DYSTROPHY 5. Identifiers: Orphanet 261, MedGen C2751805, MONDO:0013072, OMIM 612999.

Allele frequency attached by ClinVar (database versions not stated): gnomAD exomes 0.00003 and 0.00004; TOPMed 0.00003; ExAC 0.00009.
gnomAD v4.1: 45 of 1,608,308 alleles (0.0028%); highest among the groups gnomAD compares: East Asian, 0.098%; no homozygotes.

Submissions (2):

Labcorp Genetics (formerly Invitae), Labcorp
Classification: Likely benign for Emery-Dreifuss muscular dystrophy 5, autosomal dominant. Last evaluated: 2023-11-21. Review status: criteria provided, single submitter. Criteria: Invitae Variant Classification Sherloc (09022015). Collection method: clinical testing. Allele origin: germline.

Illumina Laboratory Services, Illumina
Classification: Benign for Emery-Dreifuss muscular dystrophy 5, autosomal dominant. Last evaluated: 2018-01-13. Review status: criteria provided, single submitter. Criteria: ICSL Variant Classification Criteria 13 December 2019. Collection method: clinical testing. Allele origin: germline.
Comment: This variant was observed in the ICSL laboratory as part of a predisposition screen in an ostensibly healthy population. It had not been previously curated by ICSL or reported in the Human Gene Mutation Database (HGMD: prior to June 1st, 2018), and was therefore a candidate for classification through an automated scoring system. Utilizing variant allele frequency, disease prevalence and penetrance estimates, and inheritance mode, an automated score was calculated to assess if this variant is too frequent to cause the disease. Based on the score and internal cut-off values, a variant classified as benign is not then subjected to further curation. The score for this variant resulted in a classification of benign for this disease.

NM_182914.3(SYNE2):c.19333+7G>A

Gene: SYNE2 (spectrin repeat containing nuclear envelope protein 2; plus strand). Cytogenetic location: 14q23.2.
Variant type: single nucleotide variant.
Coding change: c.19333+7G>A on transcript NM_182914.3 (MANE Select); 7 bases into the intron after coding-DNA position 19333, G replaced by A.
Molecular consequence: intron variant.
Genome position (GRCh38, 1-based): chr14:64,214,477, G>A. VCF-style: chr14-64214477-G-A. GRCh37 (hg19) VCF-style: chr14-64681195-G-A.
Other names: c.19333+7G>A (NM_015180.6); c.235+7G>A (NM_182913.4).
Identifiers: ClinVar variation 882021 (VCV000882021.7), dbSNP rs779312321, ClinGen allele CA7224378.